The following is an entry in ClinVar:

ClinVar aggregate classification (germline): Uncertain significance (1 of 4 stars; one submission).

Conditions:
Neuronal ceroid lipofuscinosis. Also called: Neuronal Ceroid Lipofuscinoses. Identifiers: Orphanet 216, Orphanet 79263, MedGen C0027877, MONDO:0016295. Disease mechanism: loss of function.

Submission:

Labcorp Genetics (formerly Invitae), Labcorp
Classification: Uncertain significance for Neuronal ceroid lipofuscinosis. Last evaluated: 2025-06-22. Review status: criteria provided, single submitter. Criteria: Invitae Variant Classification Sherloc (09022015). Collection method: clinical testing. Allele origin: germline.
Comment: This sequence change replaces glutamine, which is neutral and polar, with histidine, which is basic and polar, at codon 359 of the CLN5 protein (p.Gln359His). This variant is not present in population databases (gnomAD no frequency). This variant has not been reported in the literature in individuals affected with CLN5-related conditions. Invitae Evidence Modeling of protein sequence and biophysical properties (such as structural, functional, and spatial information, amino acid conservation, physicochemical variation, residue mobility, and thermodynamic stability) indicates that this missense variant is not expected to disrupt CLN5 protein function with a negative predictive value of 80%. In summary, the available evidence is currently insufficient to determine the role of this variant in disease. Therefore, it has been classified as a Variant of Uncertain Significance.

NM_006493.4(CLN5):c.930A>C (p.Gln310His)

Gene: CLN5 (CLN5 lysosomal BMP synthase; plus strand). Cytogenetic location: 13q22.3.
Variant type: single nucleotide variant.
Coding change: c.930A>C on transcript NM_006493.4 (MANE Select); coding-DNA position 930, A replaced by C.
Protein change: p.Gln310His; replaces glutamine 310 with histidine.
Molecular consequence: missense variant. On other transcripts: 3 prime UTR variant (1).
Genome position (GRCh38, 1-based): chr13:77,000,822, A>C. VCF-style: chr13-77000822-A-C. GRCh37 (hg19) VCF-style: chr13-77574957-A-C.
Other names: c.*379A>C (NM_001366624.2); short protein forms Q359H, Q310H.
Identifiers: ClinVar variation 4779311 (VCV004779311.1).